The following is an entry in ClinVar:

NM_004260.4(RECQL4):c.2276C>T (p.Ala759Val)

Gene: RECQL4 (RecQ like helicase 4; minus strand). Cytogenetic location: 8q24.3.
Variant type: single nucleotide variant.
Coding change: c.2276C>T on transcript NM_004260.4 (MANE Select); coding-DNA position 2276, C replaced by T.
Protein change: p.Ala759Val; replaces alanine 759 with valine.
Molecular consequence: missense variant.
Genome position (GRCh38, 1-based): chr8:144,513,405, G>A on the plus strand (C>T on the coding strand, the complement: RECQL4 is on the minus strand). VCF-style: chr8-144513405-G-A. GRCh37 (hg19) VCF-style: chr8-145738789-G-A.
Other names: short protein forms A759V.
Identifiers: ClinVar variation 639006 (VCV000639006.4), dbSNP rs1586803103, ClinGen allele CA372678439.

ClinVar aggregate classification (germline): Uncertain significance (1 of 4 stars; one submission).

Conditions:
Baller-Gerold syndrome (BGS). Also called: CRANIOSYNOSTOSIS WITH RADIAL DEFECTS. Identifiers: Orphanet 1225, MedGen C0265308, MONDO:0009039, OMIM 218600.

gnomAD v4.1: 1 of 1,608,676 alleles (0.000062%); highest among the groups gnomAD compares: Non-Finnish European, 0.000085%; no homozygotes.

Submission:

Labcorp Genetics (formerly Invitae), Labcorp
Classification: Uncertain significance for Baller-Gerold syndrome. Last evaluated: 2018-09-19. Review status: criteria provided, single submitter. Criteria: Invitae Variant Classification Sherloc (09022015). Collection method: clinical testing. Allele origin: germline.
Comment: In summary, the available evidence is currently insufficient to determine the role of this variant in disease. Therefore, it has been classified as a Variant of Uncertain Significance. Algorithms developed to predict the effect of missense changes on protein structure and function are either unavailable or do not agree on the potential impact of this missense change (SIFT: "Tolerated"; PolyPhen-2: "Probably Damaging"; Align-GVGD: "Class C0"). This variant has not been reported in the literature in individuals with RECQL4-related disease. This variant is not present in population databases (ExAC no frequency). This sequence change replaces alanine with valine at codon 759 of the RECQL4 protein (p.Ala759Val). The alanine residue is highly conserved and there is a small physicochemical difference between alanine and valine.